The following is an entry in ClinVar:

NM_001382430.1(AKT1):c.1260+5G>A

Gene: AKT1 (AKT serine/threonine kinase 1; minus strand). Cytogenetic location: 14q32.33.
Variant type: single nucleotide variant.
Coding change: c.1260+5G>A on transcript NM_001382430.1 (MANE Select); 5 bases into the intron after coding-DNA position 1260, G replaced by A.
Molecular consequence: intron variant.
Genome position (GRCh38, 1-based): chr14:104,772,360, C>T on the plus strand (G>A on the coding strand, the complement: AKT1 is on the minus strand). VCF-style: chr14-104772360-C-T. GRCh37 (hg19) VCF-style: chr14-105238697-C-T.
Other names: c.1260+5G>A (NM_001014431.2, NM_001014432.2, NM_001382433.1 and 3 more transcripts).
Identifiers: ClinVar variation 847554 (VCV000847554.11), dbSNP rs760365810, ClinGen allele CA7374514.

ClinVar aggregate classification (germline): Uncertain significance. Review status: criteria provided, multiple submitters, no conflicts (2 of 4 stars). 3 submissions from 3 submitters: Uncertain significance (3). Last evaluated 2024-02-20.

Conditions:
AKT1-related disorder. Also called: AKT1-related condition.
Cowden syndrome 6 (CWS6). Identifiers: Orphanet 201, MedGen C3554519, MONDO:0014048, OMIM 615109.
Familial cancer of breast. Also called: hereditary breast carcinoma; BREAST CANCER, FAMILIAL; Hereditary breast cancer. Identifiers: Orphanet 227535, MedGen C0346153, MONDO:0016419, OMIM 114480. Disease mechanism: loss of function.
Ovarian cancer. Also called: OVARIAN CANCER, SOMATIC. Identifiers: Orphanet 213500, MedGen C1140680, MONDO:0008170, OMIM 167000.
Proteus syndrome. Also called: Hemihypertrophy and macrocephaly; Partial gigantism of hands and feet, nevi, hemihypertrophy, macrocephaly; PROTEUS SYNDROME, SOMATIC; GIGANTISM, PARTIAL, OF HANDS AND FEET, NEVI, HEMIHYPERTROPHY, AND MACROCEPHALY; ELATTOPROTEUS SYNDROME; Macrocephaly mesodermal hamartoma spectrum. Identifiers: Orphanet 744, MedGen C0085261, MONDO:0008318, OMIM 176920. Disease mechanism: gain of function, loss of function.
Colorectal cancer. Also called: Colorectal cancer, somatic; Malignant Colorectal Neoplasm. Identifiers: MedGen C0346629, MONDO:0005575, OMIM 114500.

Allele frequency attached by ClinVar (database versions not stated): gnomAD 0.00002 and 0.00003; TOPMed 0.00002; gnomAD exomes 0.00004 and 0.00009; ExAC 0.00006.
gnomAD v4.1: 66 of 1,613,592 alleles (0.0041%); highest among the groups gnomAD compares: South Asian, 0.036%; no homozygotes.

Submissions (3):

Labcorp Genetics (formerly Invitae), Labcorp
Classification: Uncertain significance for Cowden syndrome 6. Last evaluated: 2024-02-20. Review status: criteria provided, single submitter. Criteria: Invitae Variant Classification Sherloc (09022015). Collection method: clinical testing. Allele origin: germline.
Comment: This sequence change falls in intron 12 of the AKT1 gene. It does not directly change the encoded amino acid sequence of the AKT1 protein. It affects a nucleotide within the consensus splice site. This variant is present in population databases (rs760365810, gnomAD 0.04%), and has an allele count higher than expected for a pathogenic variant. This variant has not been reported in the literature in individuals affected with AKT1-related conditions. ClinVar contains an entry for this variant (Variation ID: 847554). Variants that disrupt the consensus splice site are a relatively common cause of aberrant splicing (PMID: 17576681, 9536098). Algorithms developed to predict the effect of sequence changes on RNA splicing suggest that this variant is not likely to affect RNA splicing. In summary, the available evidence is currently insufficient to determine the role of this variant in disease. Therefore, it has been classified as a Variant of Uncertain Significance.

Fulgent Genetics
Classification: Uncertain significance for Familial cancer of breast; Colorectal cancer; Ovarian cancer; Proteus syndrome; Cowden syndrome 6. Last evaluated: 2024-01-18. Review status: criteria provided, single submitter. Criteria: ACMG Guidelines, 2015. Collection method: clinical testing. Allele origin: germline.

PreventionGenetics, part of Exact Sciences
Classification: Uncertain significance for AKT1-related condition. Last evaluated: 2023-05-04. Review status: criteria provided, single submitter. Criteria: ACMG Guidelines, 2015. Collection method: clinical testing. Allele origin: germline.
Comment: The AKT1 c.1260+5G>A variant is predicted to interfere with splicing. This variant is predicted to reduce the strength of the neighboring splice donor and may result in aberrant splicing (Alamut Visual Plus V1.6.1). To our knowledge, this variant has not been reported in the literature. This variant is reported in 0.046% of alleles in individuals of South Asian descent in gnomAD. At this time, the clinical significance of this variant is uncertain due to the absence of conclusive functional and genetic evidence.

Literature cited by the submitters: PubMed 17576681 (cited by Labcorp Genetics (formerly Invitae), Labcorp); PubMed 9536098 (cited by Labcorp Genetics (formerly Invitae), Labcorp).